The following is an entry in ClinVar:

ClinVar aggregate classification (germline): Uncertain significance (1 of 4 stars; one submission).

Conditions:
Cardiovascular phenotype. Identifiers: MedGen CN230736.

gnomAD v4.1: 6 of 1,612,476 alleles (0.00037%); highest among the groups gnomAD compares: East Asian, 0.013%; no homozygotes.

Submission:

Ambry Genetics
Classification: Uncertain significance for Cardiovascular phenotype. Last evaluated: 2024-12-07. Review status: criteria provided, single submitter. Criteria: Ambry Variant Classification Scheme 2023. Collection method: clinical testing. Allele origin: germline.
Comment: The p.E266K variant (also known as c.796G>A), located in coding exon 11 of the TXNRD2 gene, results from a G to A substitution at nucleotide position 796. The glutamic acid at codon 266 is replaced by lysine, an amino acid with similar properties. This amino acid position is conserved. In addition, this alteration is predicted to be tolerated by in silico analysis. Based on the available evidence, the clinical significance of this variant remains unclear.

NM_006440.5(TXNRD2):c.796G>A (p.Glu266Lys)

Gene: TXNRD2 (thioredoxin reductase 2; minus strand). Cytogenetic location: 22q11.21.
Variant type: single nucleotide variant.
Coding change: c.796G>A on transcript NM_006440.5 (MANE Select); coding-DNA position 796, G replaced by A.
Protein change: p.Glu266Lys; replaces glutamic acid 266 with lysine.
Molecular consequence: missense variant. On other transcripts: non-coding transcript variant (1).
Genome position (GRCh38, 1-based): chr22:19,895,560, C>T on the plus strand (G>A on the coding strand, the complement: TXNRD2 is on the minus strand). VCF-style: chr22-19895560-C-T. GRCh37 (hg19) VCF-style: chr22-19883083-C-T.
Other names: c.796G>A, p.Glu266Lys (NM_001282512.3); c.793G>A, p.Glu265Lys (NM_001352300.2); c.706G>A, p.Glu236Lys (NM_001352301.2); c.508G>A, p.Glu170Lys (NM_001352302.2); c.700G>A, p.Glu234Lys (NM_001352303.2); short protein forms E265K, E170K, E234K, E236K, E266K.
Identifiers: ClinVar variation 3464759 (VCV003464759.1).